The following is an entry in ClinVar:

NM_000138.5(FBN1):c.5788G>C (p.Asp1930His)

Gene: FBN1 (fibrillin 1; minus strand). Cytogenetic location: 15q21.1.
Variant type: single nucleotide variant.
Coding change: c.5788G>C on transcript NM_000138.5 (MANE Select); coding-DNA position 5788, G replaced by C.
Protein change: p.Asp1930His; replaces aspartic acid 1930 with histidine.
Molecular consequence: missense variant.
Genome position (GRCh38, 1-based): chr15:48,446,706, C>G on the plus strand (G>C on the coding strand, the complement: FBN1 is on the minus strand). VCF-style: chr15-48446706-C-G. GRCh37 (hg19) VCF-style: chr15-48738903-C-G.
Other names: short protein forms D1930H.
Identifiers: ClinVar variation 1071569 (VCV001071569.7), dbSNP rs1555395820, ClinGen allele CA392341000.
Genomic context (GRCh38, chr15:48,446,706, plus strand): 5'-ATTACAAAGAACACATATAAAACTGACTTCCTTTGCTGATGCACAATTTTGCACACGCAC[C>G]TATACAGTCATTGTTGTGAGAAAGGATGAAACCATGATTGCAGCGGCAGTTGAAGGAACC-3'
Protein context (NP_000129.3, residues 1920-1940): FILSHNNDCI[Asp1930His]VDECASGNGN

ClinVar aggregate classification (germline): Pathogenic (1 of 4 stars; one submission).

Conditions:
Familial thoracic aortic aneurysm and aortic dissection (TAAD). Also called: Thoracic aortic aneurysms and dissections. Identifiers: Orphanet 91387, MedGen C4707243, MONDO:0019625.
Marfan syndrome (MFS). Also called: Marfan syndrome type 1; Marfan's syndrome; Marfan syndrome, classic; MARFAN SYNDROME, TYPE I; FBN1-Related Marfan Syndrome. Identifiers: Orphanet 284963, Orphanet 558, MedGen C0024796, MONDO:0007947, OMIM 154700.

Submission:

Labcorp Genetics (formerly Invitae), Labcorp
Classification: Pathogenic for Marfan syndrome; Familial thoracic aortic aneurysm and aortic dissection. Last evaluated: 2020-08-22. Review status: criteria provided, single submitter. Criteria: Invitae Variant Classification Sherloc (09022015). Collection method: clinical testing. Allele origin: germline.
Comment: This sequence change replaces aspartic acid with histidine at codon 1930 of the FBN1 protein (p.Asp1930His). The aspartic acid residue is highly conserved and there is a moderate physicochemical difference between aspartic acid and histidine. This variant also falls at the last nucleotide of exon 47 of the FBN1 coding sequence, which is part of the consensus splice site for this exon. This variant is not present in population databases (ExAC no frequency). This variant has been observed in individual(s) with FBN1-related conditions (PMID: 25636182, 20886638, 17657824, 27611364). In at least one individual the variant was observed to be de novo. Algorithms developed to predict the effect of missense changes on protein structure and function are either unavailable or do not agree on the potential impact of this missense change (SIFT: "Deleterious"; PolyPhen-2: "Probably Damaging"; Align-GVGD: "Class C0"). Nucleotide substitutions within the consensus splice site are a relatively common cause of aberrant splicing (PMID: 17576681, 9536098). Experimental studies have shown that this variant disrupts mRNA splicing (PMID: 25636182). For these reasons, this variant has been classified as Pathogenic.

Literature cited by the submitters: PubMed 25636182; PubMed 20886638; PubMed 17657824; PubMed 27611364; PubMed 17576681; PubMed 9536098.